The following is an entry in ClinVar:

ClinVar aggregate classification (germline): Uncertain significance (1 of 4 stars; one submission).

gnomAD v4.1: 8 of 1,613,810 alleles (0.0005%); highest among the groups gnomAD compares: African/African-American, 0.0013%; no homozygotes.

Submission:

Labcorp Genetics (formerly Invitae), Labcorp
Classification: Uncertain significance. Last evaluated: 2022-10-14. Review status: criteria provided, single submitter. Criteria: Invitae Variant Classification Sherloc (09022015). Collection method: clinical testing. Allele origin: germline.
Comment: In summary, the available evidence is currently insufficient to determine the role of this variant in disease. Therefore, it has been classified as a Variant of Uncertain Significance. Advanced modeling of protein sequence and biophysical properties (such as structural, functional, and spatial information, amino acid conservation, physicochemical variation, residue mobility, and thermodynamic stability) performed at Invitae indicates that this missense variant is expected to disrupt NDST1 protein function. This variant has not been reported in the literature in individuals affected with NDST1-related conditions. This variant is not present in population databases (gnomAD no frequency). This sequence change replaces arginine, which is basic and polar, with histidine, which is basic and polar, at codon 782 of the NDST1 protein (p.Arg782His).

NM_001543.5(NDST1):c.2345G>A (p.Arg782His)

Gene: NDST1 (N-deacetylase and N-sulfotransferase 1; plus strand). Cytogenetic location: 5q33.1.
Variant type: single nucleotide variant.
Coding change: c.2345G>A on transcript NM_001543.5 (MANE Select); coding-DNA position 2345, G replaced by A.
Protein change: p.Arg782His; replaces arginine 782 with histidine.
Molecular consequence: missense variant.
Genome position (GRCh38, 1-based): chr5:150,549,706, G>A. VCF-style: chr5-150549706-G-A. GRCh37 (hg19) VCF-style: chr5-149929268-G-A.
Other names: c.2174G>A, p.Arg725His (NM_001301063.2); short protein forms R782H, R725H.
Identifiers: ClinVar variation 2975520 (VCV002975520.3), dbSNP rs747907538, ClinGen allele CA361769519.